The following is an entry in ClinVar:

ClinVar aggregate classification (germline): Likely pathogenic (1 of 4 stars; one submission).

Conditions:
Waardenburg syndrome type 2A (WS2A). Also called: WAARDENBURG SYNDROME WITHOUT DYSTOPIA CANTHORUM. Identifiers: Orphanet 3440, MedGen C1860339, MONDO:0008671, OMIM 193510.
Melanoma, cutaneous malignant, susceptibility to, 8. Also called: Cutaneous malignant melanoma 8; MELANOMA AND RENAL CELL CARCINOMA, SUSCEPTIBILITY TO. Identifiers: Orphanet 293822, MedGen C3152204, MONDO:0013759, OMIM 614456.
Tietz syndrome (TADS). Also called: TIETZ ALBINISM-DEAFNESS SYNDROME; HYPOPIGMENTATION/DEAFNESS OF TIETZ; ALBINISM-DEAFNESS OF TIETZ. Identifiers: Orphanet 42665, MedGen C0391816, MONDO:0007077, OMIM 103500.

Submission:

Labcorp Genetics (formerly Invitae), Labcorp
Classification: Likely pathogenic for Melanoma, cutaneous malignant, susceptibility to, 8; Waardenburg syndrome type 2A; Tietz syndrome. Last evaluated: 2023-11-19. Review status: criteria provided, single submitter. Criteria: Invitae Variant Classification Sherloc (09022015). Collection method: clinical testing. Allele origin: germline.
Comment: This variant results in the deletion of part of exon 3 of the MITF gene. It is expected to disrupt RNA splicing. Variants that disrupt the donor or acceptor splice site typically lead to a loss of protein function (PMID: 16199547), and loss-of-function variants in MITF are known to be pathogenic (PMID: 8659547, 20127975). This variant is not present in population databases (gnomAD no frequency). This variant has not been reported in the literature in individuals affected with MITF-related conditions. In summary, the currently available evidence indicates that the variant is pathogenic, but additional data are needed to prove that conclusively. Therefore, this variant has been classified as Likely Pathogenic.

Literature cited by the submitters: PubMed 16199547; PubMed 8659547; PubMed 20127975.

NM_001354604.2(MITF):c.660_666+6del

Gene: MITF (melanocyte inducing transcription factor; plus strand). Cytogenetic location: 3p13.
Variant type: Deletion.
Coding change: c.660_666+6del on transcript NM_001354604.2 (MANE Select); coding-DNA position 660 through 6 bases into the intron after coding-DNA position 666, 13 bases deleted (TATGCAGGTACTG).
Molecular consequence: splice donor variant.
Genome position (GRCh38, 1-based): chr3:69,939,175-69,939,187, TATGCAGGTACTG deleted; deleting any 13 consecutive bases within chr3:69,939,172-69,939,187 gives the same sequence; the c. name uses the placement nearest the transcript's 3' end. VCF-style (leftmost placement, unchanged base first): chr3-69939171-CCTGTATGCAGGTA-C. GRCh37 (hg19) VCF-style: chr3-69988322-CCTGTATGCAGGTA-C.
Other names: c.609_615+6del (NM_001354607.2); c.504_510+6del (NM_001354608.2, NM_001184967.2); c.660_666+6del (NM_198159.3); c.657_663+6del (NM_001354605.2, NM_001354606.2, NM_006722.3); c.612_618+6del (NM_198177.3); c.339_345+6del (NM_000248.4, NM_198158.3); c.171_177+6del (NM_198178.3).
Identifiers: ClinVar variation 2954027 (VCV002954027.3), dbSNP rs2471591650, ClinGen allele CA2666480043.